The following is an entry in ClinVar:

NM_001042545.2(LTBP4):c.3258C>T (p.Pro1086=)

Gene: LTBP4 (latent transforming growth factor beta binding protein 4; plus strand). Cytogenetic location: 19q13.2.
Variant type: single nucleotide variant.
Coding change: c.3258C>T on transcript NM_001042545.2 (MANE Select); coding-DNA position 3258, C replaced by T.
Protein change: p.Pro1086=; no amino-acid change (proline 1086 retained).
Molecular consequence: synonymous variant.
Genome position (GRCh38, 1-based): chr19:40,622,441, C>T. VCF-style: chr19-40622441-C-T. GRCh37 (hg19) VCF-style: chr19-41128346-C-T.
Other names: c.3459C>T, p.Pro1153= (NM_001042544.1); c.3348C>T, p.Pro1116= (NM_003573.2).
Identifiers: ClinVar variation 163949 (VCV000163949.7), dbSNP rs727503155, ClinGen allele CA176692.

ClinVar aggregate classification (germline): Likely benign. Review status: criteria provided, multiple submitters, no conflicts (2 of 4 stars). 2 submissions from 2 submitters: Likely benign (2). Last evaluated 2025-08-08.

Allele frequency attached by ClinVar (database versions not stated): gnomAD exomes 0.00002 and 0.00001; TOPMed 0.00002; gnomAD 0.00001; ExAC 0.00002.

Submissions (2):

Labcorp Genetics (formerly Invitae), Labcorp
Classification: Likely benign. Last evaluated: 2025-08-08. Review status: criteria provided, single submitter. Criteria: Invitae Variant Classification Sherloc (09022015). Collection method: clinical testing. Allele origin: germline.

Laboratory for Molecular Medicine, Mass General Brigham Personalized Medicine
Classification: Likely benign. Last evaluated: 2014-06-05. Review status: criteria provided, single submitter. Criteria: LMM Criteria. Collection method: clinical testing. Allele origin: germline. Observed: 1 variant allele.
Comment: Pro1153Pro in exon 26 of LTBP4: This variant is not expected to have clinical s ignificance because it does not alter an amino acid residue and is not located w ithin the splice consensus sequence.